The following is an entry in ClinVar:

NM_000104.4(CYP1B1):c.1140dup (p.Val381fs)

Gene: CYP1B1 (cytochrome P450 family 1 subfamily B member 1; minus strand). Cytogenetic location: 2p22.2.
Variant type: Duplication.
Coding change: c.1140dup on transcript NM_000104.4 (MANE Select); coding-DNA position 1140, one base duplicated (T; older notation c.1140dupT).
Protein change: p.Val381fs; shifts the reading frame from valine 381.
Molecular consequence: frameshift variant.
Genome position (GRCh38, 1-based): chr2:38,071,214, A duplicated on the plus strand (T on the coding strand, the reverse complement: CYP1B1 is on the minus strand). VCF-style (leftmost placement, unchanged base first): chr2-38071213-C-CA. GRCh37 (hg19) VCF-style: chr2-38298356-C-CA.
Other names: short protein forms V381fs.
Identifiers: ClinVar variation 2681138 (VCV002681138.5), dbSNP rs985156509, ClinGen allele CA45506657.

ClinVar aggregate classification (germline): Pathogenic/Likely pathogenic. Review status: criteria provided, multiple submitters, no conflicts (2 of 4 stars). 3 submissions from 3 submitters: Pathogenic (1); Likely pathogenic (2). Last evaluated 2024-06-07.

Conditions:
Anterior segment dysgenesis 6 (ASGD6). Also called: Anterior segment dysgenesis 6, multiple subtypes. Identifiers: MedGen C4310623, MONDO:0015016, OMIM 617315.
Glaucoma 3A. Also called: Glaucoma 3, primary congenital, A. Identifiers: Orphanet 98976, Orphanet 98977, MedGen C1856439, MONDO:0009277, OMIM 231300.
Congenital glaucoma. Identifiers: MedGen C0020302, MONDO:0020366.

Allele frequency attached by ClinVar (database versions not stated): gnomAD exomes below 0.00001; TOPMed 0.00001.

Submissions (3):

Fulgent Genetics
Classification: Likely pathogenic for Glaucoma 3A; Anterior segment dysgenesis 6. Last evaluated: 2024-06-07. Review status: criteria provided, single submitter. Criteria: ACMG Guidelines, 2015. Collection method: clinical testing. Allele origin: germline.

Labcorp Genetics (formerly Invitae), Labcorp
Classification: Pathogenic for Congenital glaucoma. Last evaluated: 2023-07-19. Review status: criteria provided, single submitter. Criteria: Invitae Variant Classification Sherloc (09022015). Collection method: clinical testing. Allele origin: germline.
Comment: For these reasons, this variant has been classified as Pathogenic. This variant disrupts a region of the CYP1B1 protein in which other variant(s) (p.Met503*) have been determined to be pathogenic (PMID: 17591938). This suggests that this is a clinically significant region of the protein, and that variants that disrupt it are likely to be disease-causing. This variant has not been reported in the literature in individuals affected with CYP1B1-related conditions. This variant is not present in population databases (gnomAD no frequency). This sequence change creates a premature translational stop signal (p.Val381Cysfs*7) in the CYP1B1 gene. While this is not anticipated to result in nonsense mediated decay, it is expected to disrupt the last 163 amino acid(s) of the CYP1B1 protein.

Baylor Genetics
Classification: Likely pathogenic for Anterior segment dysgenesis 6. Last evaluated: 2022-03-23. Review status: criteria provided, single submitter. Criteria: ACMG Guidelines, 2015. Collection method: clinical testing. Allele origin: unknown.

Literature cited by the submitters: PubMed 17591938 (cited by Labcorp Genetics (formerly Invitae), Labcorp).